The following is an entry in ClinVar:

ClinVar aggregate classification (germline): Uncertain significance (1 of 4 stars; one submission).

Conditions:
Inborn genetic diseases. Identifiers: MedGen C0950123, MeSH D030342.

Submission:

Ambry Genetics
Classification: Uncertain significance for Inborn genetic diseases. Last evaluated: 2025-05-08. Review status: criteria provided, single submitter. Criteria: Ambry Variant Classification Scheme 2023. Collection method: clinical testing. Allele origin: germline.
Comment: The p.H53Y variant (also known as c.157C>T), located in coding exon 2 of the BMPR2 gene, results from a C to T substitution at nucleotide position 157. The histidine at codon 53 is replaced by tyrosine, an amino acid with similar properties. This amino acid position is conserved. In addition, the in silico prediction for this alteration is inconclusive. Based on the available evidence, the clinical significance of this variant remains unclear.

NM_001204.7(BMPR2):c.157C>T (p.His53Tyr)

Gene: BMPR2 (bone morphogenetic protein receptor type 2; plus strand). Cytogenetic location: 2q33.1.
Variant type: single nucleotide variant.
Coding change: c.157C>T on transcript NM_001204.7 (MANE Select); coding-DNA position 157, C replaced by T.
Protein change: p.His53Tyr; replaces histidine 53 with tyrosine.
Molecular consequence: missense variant.
Genome position (GRCh38, 1-based): chr2:202,464,889, C>T. VCF-style: chr2-202464889-C-T. GRCh37 (hg19) VCF-style: chr2-203329612-C-T.
Other names: short protein forms H53Y.
Identifiers: ClinVar variation 3992155 (VCV003992155.1).